The following is an entry in ClinVar:

ClinVar aggregate classification (germline): Uncertain significance (1 of 4 stars; one submission).

Submission:

GeneDx
Classification: Uncertain significance. Last evaluated: 2022-06-30. Review status: criteria provided, single submitter. Criteria: GeneDx Variant Classification Process June 2021. Collection method: clinical testing. Allele origin: germline. Affected: yes.
Comment: Not observed at significant frequency in large population cohorts (gnomAD); In silico analysis supports that this missense variant has a deleterious effect on protein structure/function; Has not been previously published as pathogenic or benign to our knowledge

NM_001377299.1(NDUFS2):c.1387C>G (p.Arg463Gly)

Gene: NDUFS2 (NADH:ubiquinone oxidoreductase core subunit S2; plus strand). Cytogenetic location: 1q23.3.
Variant type: single nucleotide variant.
Coding change: c.1387C>G on transcript NM_001377299.1 (MANE Select); coding-DNA position 1387, C replaced by G.
Protein change: p.Arg463Gly; replaces arginine 463 with glycine.
Molecular consequence: missense variant. On other transcripts: 3 prime UTR variant (4), non-coding transcript variant (1).
Genome position (GRCh38, 1-based): chr1:161,214,188, C>G. VCF-style: chr1-161214188-C-G. GRCh37 (hg19) VCF-style: chr1-161183978-C-G.
Other names: c.*247C>G (NM_001166159.2, NM_001377300.1, NM_001377301.1); c.1387C>G, p.Arg463Gly (NM_001377298.1, NM_004550.5); c.*38C>G (NM_001377302.1); c.1309C>G, p.Arg437Gly (NM_001410889.1); short protein forms R437G, R463G.
Identifiers: ClinVar variation 1810179 (VCV001810179.1), dbSNP rs932640288, ClinGen allele CA31677100.